The following is an entry in ClinVar:

NM_005787.6(ALG3):c.222C>T (p.Tyr74=)

Gene: ALG3 (ALG3 alpha-1,3- mannosyltransferase; minus strand). Cytogenetic location: 3q27.1.
Variant type: single nucleotide variant.
Coding change: c.222C>T on transcript NM_005787.6 (MANE Select); coding-DNA position 222, C replaced by T.
Protein change: p.Tyr74=; no amino-acid change (tyrosine 74 retained).
Molecular consequence: synonymous variant. On other transcripts: non-coding transcript variant (1).
Genome position (GRCh38, 1-based): chr3:184,245,787, G>A on the plus strand (C>T on the coding strand, the complement: ALG3 is on the minus strand). VCF-style: chr3-184245787-G-A. GRCh37 (hg19) VCF-style: chr3-183963575-G-A.
Other names: c.78C>T, p.Tyr26= (NM_001006941.2).
Identifiers: ClinVar variation 344360 (VCV000344360.40), dbSNP rs200875721, ClinGen allele CA2729611.
Genomic context (GRCh38, chr3:184,245,787, plus strand): 5'-GTCACCCTGCAGTTGGGTATAGTCATAGGTACCATTGATGACGCCTTCTACCTCGGCCAT[G>A]TAGGCCTTCCAGTCAATCTCTGTGTCTGGAAGAAGACAAGATGATCTGGTTACTTCTGAG-3'
Protein context (NP_005778.1, residues 64-84): VAYTEIDWKA[Tyr74=]MAEVEGVING

ClinVar aggregate classification (germline): Conflicting classifications of pathogenicity. Review status: criteria provided, conflicting classifications (1 of 4 stars). 4 submissions from 4 submitters: Uncertain significance (1); Likely benign (3). Last evaluated 2026-01-20.

Conditions:
ALG3-congenital disorder of glycosylation. Also called: CONGENITAL DISORDER OF GLYCOSYLATION, TYPE Id; CARBOHYDRATE-DEFICIENT GLYCOPROTEIN SYNDROME, TYPE IV; CDGS, TYPE IV; CDG Id; ALG3-CDG. Identifiers: Orphanet 79321, MedGen C1832736, MONDO:0010998, OMIM 601110.

Allele frequency attached by ClinVar (database versions not stated): gnomAD 0.00048 and 0.00056; gnomAD exomes 0.00053 and 0.00086; ExAC 0.00056; TOPMed 0.00065; ESP Exome Variant Server 0.00080.

Submissions (4):

Labcorp Genetics (formerly Invitae), Labcorp
Classification: Likely benign for ALG3-congenital disorder of glycosylation. Last evaluated: 2026-01-20. Review status: criteria provided, single submitter. Criteria: Invitae Variant Classification Sherloc (09022015). Collection method: clinical testing. Allele origin: germline.

CeGaT Center for Human Genetics Tuebingen
Classification: Likely benign. Last evaluated: 2023-04-01. Review status: criteria provided, single submitter. Criteria: CeGaT Center For Human Genetics Tuebingen Variant Classification Criteria Version 2. Collection method: clinical testing. Allele origin: germline. Affected: yes. Observed: 2 variant alleles.
Comment: ALG3: BP4, BP7

Illumina Laboratory Services, Illumina
Classification: Uncertain significance for ALG3-congenital disorder of glycosylation. Last evaluated: 2018-01-13. Review status: criteria provided, single submitter. Criteria: ICSL Variant Classification Criteria 13 December 2019. Collection method: clinical testing. Allele origin: germline.

GeneDx
Classification: Likely benign. Last evaluated: 2017-11-17. Review status: criteria provided, single submitter. Criteria: GeneDx Variant Classification (06012015). Collection method: clinical testing. Allele origin: germline. Affected: yes.
Comment: This variant is considered likely benign or benign based on one or more of the following criteria: it is a conservative change, it occurs at a poorly conserved position in the protein, it is predicted to be benign by multiple in silico algorithms, and/or has population frequency not consistent with disease.